The following is an entry in ClinVar:

ClinVar aggregate classification (germline): Uncertain significance. Review status: criteria provided, multiple submitters, no conflicts (2 of 4 stars). 2 submissions from 2 submitters: Uncertain significance (2). Last evaluated 2025-04-15.

Conditions:
Inborn genetic diseases. Identifiers: MedGen C0950123, MeSH D030342.
AP1B1-related disorder. Also called: AP1B1-related condition.

gnomAD v4.1: 9 of 1,614,144 alleles (0.00056%); highest among the groups gnomAD compares: African/African-American, 0.0067%; no homozygotes.

Submissions (2):

Ambry Genetics
Classification: Uncertain significance for Inborn genetic diseases. Last evaluated: 2025-04-15. Review status: criteria provided, single submitter. Criteria: Ambry Variant Classification Scheme 2023. Collection method: clinical testing. Allele origin: germline.

PreventionGenetics, part of Exact Sciences
Classification: Uncertain significance for AP1B1-related condition. Last evaluated: 2025-03-24. Review status: criteria provided, single submitter. Criteria: ACMG Guidelines, 2015. Collection method: clinical testing. Allele origin: germline.
Comment: The AP1B1 c.433G>A variant is predicted to result in the amino acid substitution p.Val145Met. To our knowledge, this variant has not been reported in the literature. This variant is reported in 0.0080% of alleles in individuals of African descent in gnomAD. At this time, the clinical significance of this variant is uncertain due to the absence of conclusive functional and genetic evidence.

NM_001127.4(AP1B1):c.433G>A (p.Val145Met)

Gene: AP1B1 (adaptor related protein complex 1 subunit beta 1; minus strand). Cytogenetic location: 22q12.2.
Variant type: single nucleotide variant.
Coding change: c.433G>A on transcript NM_001127.4 (MANE Select); coding-DNA position 433, G replaced by A.
Protein change: p.Val145Met; replaces valine 145 with methionine.
Molecular consequence: missense variant.
Genome position (GRCh38, 1-based): chr22:29,358,818, C>T on the plus strand (G>A on the coding strand, the complement: AP1B1 is on the minus strand). VCF-style: chr22-29358818-C-T. GRCh37 (hg19) VCF-style: chr22-29754807-C-T.
Other names: c.433G>A, p.Val145Met (NM_001166019.2, NM_001378562.1, NM_001378563.1 and 2 more transcripts); c.262G>A, p.Val88Met (NM_001378564.1, NM_001378565.1); short protein forms V145M, V88M.
Identifiers: ClinVar variation 3921919 (VCV003921919.2).
Genomic context (GRCh38, chr22:29,358,818, plus strand): 5'-GGGTGTCCAGGAAGCCCTGGTCCTCCACCAGCTGGGCGTTGATGTCGTGGAGCTTGGCCA[C>T]GCACACAGCTGCTGTCTTGCGCACATATGGATCCTCGTCCTTCAGGCACTTCCGGAGTGG-3'
Protein context (NP_001118.3, residues 135-155): PYVRKTAAVC[Val145Met]AKLHDINAQL